The following is an entry in ClinVar:

NM_003072.5(SMARCA4):c.1803G>A (p.Pro601=)

Gene: SMARCA4 (SWI/SNF related BAF chromatin remodeling complex subunit ATPase 4; plus strand). Cytogenetic location: 19p13.2.
Variant type: single nucleotide variant.
Coding change: c.1803G>A on transcript NM_003072.5 (MANE Select); coding-DNA position 1803, G replaced by A.
Protein change: p.Pro601=; no amino-acid change (proline 601 retained).
Molecular consequence: synonymous variant. On other transcripts: non-coding transcript variant (1).
Genome position (GRCh38, 1-based): chr19:10,996,535, G>A. VCF-style: chr19-10996535-G-A. GRCh37 (hg19) VCF-style: chr19-11107211-G-A.
Other names: c.1803G>A, p.Pro601= (NM_001128844.3, NM_001128845.2, NM_001128846.2 and 5 more transcripts).
Identifiers: ClinVar variation 415083 (VCV000415083.32), dbSNP rs751166438, ClinGen allele CA9203897.

ClinVar aggregate classification (germline): Benign/Likely benign. Review status: criteria provided, multiple submitters, no conflicts (2 of 4 stars). 8 submissions from 8 submitters: Benign (5); Likely benign (2). 1 of the submissions does not count toward it. Last evaluated 2026-08-01.

Conditions:
SMARCA4-related disorder. Also called: SMARCA4-related condition.
Rhabdoid tumor predisposition syndrome 2 (RTPS2). Identifiers: Orphanet 231108, Orphanet 69077, MedGen C2750074, MONDO:0013224, OMIM 613325.
Hereditary cancer-predisposing syndrome. Also called: Hereditary Cancer Syndrome; Hereditary neoplastic syndrome; Neoplastic Syndromes, Hereditary; Tumor predisposition. Identifiers: Orphanet 140162, MedGen C0027672, MeSH D009386, MONDO:0015356.
Intellectual disability, autosomal dominant 16 (CSS4). Also called: COFFIN-SIRIS SYNDROME 4. Identifiers: Orphanet 1465, MedGen C3553249, MONDO:0013821, OMIM 614609.

Allele frequency attached by ClinVar (database versions not stated): gnomAD 0.00005; gnomAD exomes 0.00010 and 0.00021; TOPMed 0.00011; ExAC 0.00016.
gnomAD v4.1: 158 of 1,614,010 alleles (0.0098%); highest among the groups gnomAD compares: Admixed American, 0.1%; no homozygotes.

Submissions (8):

CeGaT Center for Human Genetics Tuebingen
Classification: Likely benign. Last evaluated: 2026-08-01. Review status: criteria provided, single submitter. Criteria: CeGaT Center For Human Genetics Tuebingen Variant Classification Criteria Version 2. Collection method: clinical testing. Allele origin: germline. Affected: yes. Observed: 4 variant alleles.
Comment: SMARCA4: BP4, BP7, BS1

Myriad Genetics, Inc.
Classification: Benign for Rhabdoid tumor predisposition syndrome 2. Last evaluated: 2026-07-10. Review status: criteria provided, single submitter. Criteria: Myriad Autosomal Dominant, Autosomal Recessive and X-Linked Classification Criteria (2023). Collection method: clinical testing. Allele origin: unknown.
Comment: This variant is considered benign. This variant is a silent/synonymous amino acid change and it is not expected to impact splicing.

Labcorp Genetics (formerly Invitae), Labcorp
Classification: Benign for Rhabdoid tumor predisposition syndrome 2. Last evaluated: 2026-01-21. Review status: criteria provided, single submitter. Criteria: Invitae Variant Classification Sherloc (09022015). Collection method: clinical testing. Allele origin: germline.

Quest Diagnostics Nichols Institute San Juan Capistrano
Classification: Benign. Last evaluated: 2022-09-30. Review status: criteria provided, single submitter. Criteria: Quest Diagnostics criteria. Collection method: clinical testing. Allele origin: unknown.

Genome-Nilou Lab
Classification: Benign for Intellectual disability, autosomal dominant 16. Last evaluated: 2021-07-15. Review status: criteria provided, single submitter. Criteria: ACMG Guidelines, 2015. Collection method: clinical testing. Allele origin: germline. Affected: no.

Sema4
Classification: Benign for Hereditary cancer-predisposing syndrome. Last evaluated: 2020-10-30. Review status: criteria provided, single submitter. Criteria: Sema4 Curation Guidelines. Collection method: curation. Allele origin: germline.

Ambry Genetics
Classification: Likely benign for Hereditary cancer-predisposing syndrome. Last evaluated: 2015-09-24. Review status: criteria provided, single submitter. Criteria: Ambry Variant Classification Scheme 2023. Collection method: clinical testing. Allele origin: germline.

PreventionGenetics, part of Exact Sciences
Classification: Likely benign for SMARCA4-related condition. Last evaluated: 2019-02-20. Review status: no assertion criteria provided. Collection method: clinical testing. Allele origin: germline. Not counted in ClinVar's aggregate classification.
Comment: This variant is classified as likely benign based on ACMG/AMP sequence variant interpretation guidelines (Richards et al. 2015 PMID: 25741868, with internal and published modifications).